The following is an entry in ClinVar:

ClinVar aggregate classification (germline): Uncertain significance (1 of 4 stars; one submission).

Submission:

Ambry Genetics
Classification: Uncertain significance. Last evaluated: 2023-08-11. Review status: criteria provided, single submitter. Criteria: Ambry Variant Classification Scheme 2023. Collection method: clinical testing. Allele origin: germline.
Comment: The p.S857F variant (also known as c.2570C>T), located in coding exon 1 of the MLH3 gene, results from a C to T substitution at nucleotide position 2570. The serine at codon 857 is replaced by phenylalanine, an amino acid with highly dissimilar properties. This amino acid position is conserved. In addition, this alteration is predicted to be tolerated by in silico analysis. Since supporting evidence is limited at this time, the clinical significance of this alteration remains unclear.

NM_001040108.2(MLH3):c.2570C>T (p.Ser857Phe)

Gene: MLH3 (mutL homolog 3; minus strand). Cytogenetic location: 14q24.3.
Variant type: single nucleotide variant.
Coding change: c.2570C>T on transcript NM_001040108.2 (MANE Select); coding-DNA position 2570, C replaced by T.
Protein change: p.Ser857Phe; replaces serine 857 with phenylalanine.
Molecular consequence: missense variant.
Genome position (GRCh38, 1-based): chr14:75,047,086, G>A on the plus strand (C>T on the coding strand, the complement: MLH3 is on the minus strand). VCF-style: chr14-75047086-G-A. GRCh37 (hg19) VCF-style: chr14-75513789-G-A.
Other names: c.2570C>T, p.Ser857Phe (NM_014381.3); short protein forms S857F.
Identifiers: ClinVar variation 2624046 (VCV002624046.2), dbSNP rs2503266655, ClinGen allele CA390439840.